The following continues an entry in ClinVar:

NM_000492.4(CFTR):c.1584G>A (p.Glu528=)

ClinVar aggregate classification (germline): Conflicting classifications of pathogenicity. Uncertain significance (5); Benign (6); Likely benign (9).

Submissions 24 to 56 of 70:

Laboratory for Molecular Medicine, Mass General Brigham Personalized Medicine
No classification provided. Last evaluated: 2013-09-27. Review status: no classification provided. Collection method: clinical testing. Allele origin: germline. Observed: 6 variant alleles. Not counted in ClinVar's aggregate classification.
Comment: Glu528Glu in exon 11 of CFTR (c.1584G>A, historically known as c.1716G>A): This variant has been shown to result in exon skipping in about 10% of transcripts; however, it is prevalent in many populations (highest allele frequency 6.3% in Puerto Ricans; 1000 Genomes Project; rs1800095) and therefore not expected to cause highly penetrant, Mendelian disease. Consistent with this, it has been identified in combination with a severe CF-causing variant in control populations (Rosendahl 2013). However, several studies have suggested that it may be a predisposing factor to idiopathic chronic pancreatitis, although it is unclear if this predisposition is statistically significant (Casals 2004; Rosendahl 2013; Maire 2003). In summary, this variant may be a risk factor for CF-related disease (chronic pancreatitis). It is not expected to lead to disease on its own or in combination with a pathogenic CFTR variant, but may act in conjunction with other genetic and/or environmental risk factors.

Dr. Peter K. Rogan Lab, Western University
No classification provided (evidence only). Condition: Lung cancer. Review status: no classification provided. Collection method: in vitro. Allele origin: not applicable. Functional consequence: retained intron. Not counted in ClinVar's aggregate classification.

Dr. Peter K. Rogan Lab, Western University
No classification provided (evidence only). Condition: Lung cancer. Review status: no classification provided. Collection method: in vitro. Allele origin: not applicable. Functional consequence: retained intron. Not counted in ClinVar's aggregate classification.

Dr. Peter K. Rogan Lab, Western University
No classification provided (evidence only). Condition: Lung cancer. Review status: no classification provided. Collection method: in vitro. Allele origin: not applicable. Functional consequence: skipped exon, retained intron. Not counted in ClinVar's aggregate classification.

Dr. Peter K. Rogan Lab, Western University
No classification provided (evidence only). Condition: Lung cancer. Review status: no classification provided. Collection method: in vitro. Allele origin: not applicable. Functional consequence: retained intron. Not counted in ClinVar's aggregate classification.

Dr. Peter K. Rogan Lab, Western University
No classification provided (evidence only). Condition: Lung cancer. Review status: no classification provided. Collection method: in vitro. Allele origin: not applicable. Functional consequence: skipped exon, retained intron. Not counted in ClinVar's aggregate classification.

Dr. Peter K. Rogan Lab, Western University
No classification provided (evidence only). Condition: Lung cancer. Review status: no classification provided. Collection method: in vitro. Allele origin: not applicable. Functional consequence: retained intron. Not counted in ClinVar's aggregate classification.

Dr. Peter K. Rogan Lab, Western University
No classification provided (evidence only). Condition: Colon adenocarcinoma. Review status: no classification provided. Collection method: in vitro. Allele origin: not applicable. Functional consequence: skipped exon, retained intron. Not counted in ClinVar's aggregate classification.

Dr. Peter K. Rogan Lab, Western University
No classification provided (evidence only). Condition: Colon adenocarcinoma. Review status: no classification provided. Collection method: in vitro. Allele origin: not applicable. Functional consequence: skipped exon, retained intron. Not counted in ClinVar's aggregate classification.

Dr. Peter K. Rogan Lab, Western University
No classification provided (evidence only). Condition: Colon adenocarcinoma. Review status: no classification provided. Collection method: in vitro. Allele origin: not applicable. Functional consequence: skipped exon, retained intron. Not counted in ClinVar's aggregate classification.

Dr. Peter K. Rogan Lab, Western University
No classification provided (evidence only). Condition: Colon adenocarcinoma. Review status: no classification provided. Collection method: in vitro. Allele origin: not applicable. Functional consequence: skipped exon, retained intron. Not counted in ClinVar's aggregate classification.

Dr. Peter K. Rogan Lab, Western University
No classification provided (evidence only). Condition: Colon adenocarcinoma. Review status: no classification provided. Collection method: in vitro. Allele origin: not applicable. Functional consequence: skipped exon, retained intron. Not counted in ClinVar's aggregate classification.

Dr. Peter K. Rogan Lab, Western University
No classification provided (evidence only). Condition: Colon adenocarcinoma. Review status: no classification provided. Collection method: in vitro. Allele origin: not applicable. Functional consequence: retained intron. Not counted in ClinVar's aggregate classification.

Dr. Peter K. Rogan Lab, Western University
No classification provided (evidence only). Condition: Colon adenocarcinoma. Review status: no classification provided. Collection method: in vitro. Allele origin: not applicable. Functional consequence: skipped exon, retained intron. Not counted in ClinVar's aggregate classification.

Dr. Peter K. Rogan Lab, Western University
No classification provided (evidence only). Condition: Colon adenocarcinoma. Review status: no classification provided. Collection method: in vitro. Allele origin: not applicable. Functional consequence: skipped exon, retained intron. Not counted in ClinVar's aggregate classification.

Dr. Peter K. Rogan Lab, Western University
No classification provided (evidence only). Condition: Colorectal cancer. Review status: no classification provided. Collection method: in vitro. Allele origin: not applicable. Functional consequence: skipped exon, retained intron. Not counted in ClinVar's aggregate classification.

Dr. Peter K. Rogan Lab, Western University
No classification provided (evidence only). Condition: Colorectal cancer. Review status: no classification provided. Collection method: in vitro. Allele origin: not applicable. Functional consequence: skipped exon, retained intron. Not counted in ClinVar's aggregate classification.

Dr. Peter K. Rogan Lab, Western University
No classification provided (evidence only). Condition: Thyroid cancer, nonmedullary, 1. Review status: no classification provided. Collection method: in vitro. Allele origin: not applicable. Functional consequence: retained intron. Not counted in ClinVar's aggregate classification.

Dr. Peter K. Rogan Lab, Western University
No classification provided (evidence only). Condition: Thyroid cancer, nonmedullary, 1. Review status: no classification provided. Collection method: in vitro. Allele origin: not applicable. Functional consequence: retained intron. Not counted in ClinVar's aggregate classification.

Dr. Peter K. Rogan Lab, Western University
No classification provided (evidence only). Condition: Uterine corpus endometrial carcinoma. Review status: no classification provided. Collection method: in vitro. Allele origin: not applicable. Functional consequence: retained intron. Not counted in ClinVar's aggregate classification.

Dr. Peter K. Rogan Lab, Western University
No classification provided (evidence only). Condition: Uterine corpus endometrial carcinoma. Review status: no classification provided. Collection method: in vitro. Allele origin: not applicable. Functional consequence: skipped exon, retained intron. Not counted in ClinVar's aggregate classification.

Dr. Peter K. Rogan Lab, Western University
No classification provided (evidence only). Condition: Cervical cancer. Review status: no classification provided. Collection method: in vitro. Allele origin: not applicable. Functional consequence: retained intron. Not counted in ClinVar's aggregate classification.

Dr. Peter K. Rogan Lab, Western University
No classification provided (evidence only). Condition: Cervical cancer. Review status: no classification provided. Collection method: in vitro. Allele origin: not applicable. Functional consequence: retained intron. Not counted in ClinVar's aggregate classification.

Dr. Peter K. Rogan Lab, Western University
No classification provided (evidence only). Condition: Thymoma. Review status: no classification provided. Collection method: in vitro. Allele origin: not applicable. Functional consequence: retained intron. Not counted in ClinVar's aggregate classification.

Dr. Peter K. Rogan Lab, Western University
No classification provided (evidence only). Condition: Thymoma. Review status: no classification provided. Collection method: in vitro. Allele origin: not applicable. Functional consequence: retained intron. Not counted in ClinVar's aggregate classification.

Dr. Peter K. Rogan Lab, Western University
No classification provided (evidence only). Condition: Cholangiocarcinoma. Review status: no classification provided. Collection method: in vitro. Allele origin: not applicable. Functional consequence: skipped exon, retained intron. Not counted in ClinVar's aggregate classification.

Dr. Peter K. Rogan Lab, Western University
No classification provided (evidence only). Condition: Ovarian serous cystadenocarcinoma. Review status: no classification provided. Collection method: in vitro. Allele origin: not applicable. Functional consequence: retained intron. Not counted in ClinVar's aggregate classification.

Dr. Peter K. Rogan Lab, Western University
No classification provided (evidence only). Condition: Ovarian serous cystadenocarcinoma. Review status: no classification provided. Collection method: in vitro. Allele origin: not applicable. Functional consequence: retained intron. Not counted in ClinVar's aggregate classification.

Dr. Peter K. Rogan Lab, Western University
No classification provided (evidence only). Condition: Ovarian serous cystadenocarcinoma. Review status: no classification provided. Collection method: in vitro. Allele origin: not applicable. Functional consequence: retained intron. Not counted in ClinVar's aggregate classification.

Dr. Peter K. Rogan Lab, Western University
No classification provided (evidence only). Condition: Ovarian serous cystadenocarcinoma. Review status: no classification provided. Collection method: in vitro. Allele origin: not applicable. Functional consequence: retained intron. Not counted in ClinVar's aggregate classification.

Dr. Peter K. Rogan Lab, Western University
No classification provided (evidence only). Condition: Ovarian serous cystadenocarcinoma. Review status: no classification provided. Collection method: in vitro. Allele origin: not applicable. Functional consequence: retained intron. Not counted in ClinVar's aggregate classification.

Dr. Peter K. Rogan Lab, Western University
No classification provided (evidence only). Condition: Ovarian serous cystadenocarcinoma. Review status: no classification provided. Collection method: in vitro. Allele origin: not applicable. Functional consequence: retained intron. Not counted in ClinVar's aggregate classification.

Dr. Peter K. Rogan Lab, Western University
No classification provided (evidence only). Condition: Ovarian serous cystadenocarcinoma. Review status: no classification provided. Collection method: in vitro. Allele origin: not applicable. Functional consequence: retained intron. Not counted in ClinVar's aggregate classification.